The following is an entry in ClinVar:

NM_030973.4(MED25):c.1939C>T (p.Arg647Ter)

Gene: MED25 (mediator complex subunit 25; plus strand). Cytogenetic location: 19q13.33.
Variant type: single nucleotide variant.
Coding change: c.1939C>T on transcript NM_030973.4 (MANE Select); coding-DNA position 1939, C replaced by T.
Protein change: p.Arg647Ter; replaces arginine 647 with a stop codon.
Molecular consequence: nonsense.
Genome position (GRCh38, 1-based): chr19:49,835,919, C>T. VCF-style: chr19-49835919-C-T. GRCh37 (hg19) VCF-style: chr19-50339176-C-T.
Other names: c.1939C>T, p.Arg647Ter (NM_001378355.1); short protein forms R647*.
Identifiers: ClinVar variation 504289 (VCV000504289.2), dbSNP rs1555802864, ClinGen allele CA406920933.

ClinVar aggregate classification (germline): Likely pathogenic (1 of 4 stars; one submission).

Allele frequency attached by ClinVar (database versions not stated): gnomAD exomes below 0.00001.
gnomAD v4.1: 1 of 1,612,906 alleles (0.000062%); highest among the groups gnomAD compares: Non-Finnish European, 0.000085%; no homozygotes.

Submission:

GeneDx
Classification: Likely pathogenic. Last evaluated: 2018-02-12. Review status: criteria provided, single submitter. Criteria: GeneDx Variant Classification (06012015). Collection method: clinical testing. Allele origin: germline. Affected: yes.
Comment: The R647X variant in the MED25 gene has not been reported previously as a pathogenic variant nor as a benign variant, to our knowledge. This variant is predicted to cause loss of normal protein function either through protein truncation or nonsense-mediated mRNA decay. The R647X variant is not observed in large population cohorts (Lek et al., 2016). We interpret R647X as a likely pathogenic variant.